The following is an entry in ClinVar:

NM_005909.5(MAP1B):c.1141G>A (p.Ala381Thr)

Gene: MAP1B (microtubule associated protein 1B; plus strand). Cytogenetic location: 5q13.2.
Variant type: single nucleotide variant.
Coding change: c.1141G>A on transcript NM_005909.5 (MANE Select); coding-DNA position 1141, G replaced by A.
Protein change: p.Ala381Thr; replaces alanine 381 with threonine.
Molecular consequence: missense variant.
Genome position (GRCh38, 1-based): chr5:72,194,496, G>A. VCF-style: chr5-72194496-G-A. GRCh37 (hg19) VCF-style: chr5-71490323-G-A.
Other names: c.763G>A, p.Ala255Thr (NM_001324255.2); short protein forms A255T, A381T.
Identifiers: ClinVar variation 3253347 (VCV003253347.1), dbSNP rs1747100626.

ClinVar aggregate classification (germline): Uncertain significance (1 of 4 stars; one submission).

gnomAD v4.1: 1 of 1,613,958 alleles (0.000062%); no homozygotes.

Submission:

GeneDx
Classification: Uncertain significance. Last evaluated: 2023-12-11. Review status: criteria provided, single submitter. Criteria: GeneDx Variant Classification Process June 2021. Collection method: clinical testing. Allele origin: germline. Affected: yes.
Comment: Not observed at significant frequency in large population cohorts (gnomAD); In silico analysis supports that this missense variant has a deleterious effect on protein structure/function; Has not been previously published as pathogenic or benign to our knowledge